The following is an entry in ClinVar:

ClinVar aggregate classification (germline): Uncertain significance (1 of 4 stars; one submission).

Allele frequency attached by ClinVar (database versions not stated): TOPMed 0.00001.

Submission:

Labcorp Genetics (formerly Invitae), Labcorp
Classification: Uncertain significance. Last evaluated: 2025-03-17. Review status: criteria provided, single submitter. Criteria: Invitae Variant Classification Sherloc (09022015). Collection method: clinical testing. Allele origin: germline.
Comment: This sequence change replaces alanine, which is neutral and non-polar, with valine, which is neutral and non-polar, at codon 1013 of the ZMIZ1 protein (p.Ala1013Val). This variant is present in population databases (no rsID available, gnomAD 0.003%). This variant has not been reported in the literature in individuals affected with ZMIZ1-related conditions. ClinVar contains an entry for this variant (Variation ID: 2090628). Invitae Evidence Modeling of protein sequence and biophysical properties (such as structural, functional, and spatial information, amino acid conservation, physicochemical variation, residue mobility, and thermodynamic stability) indicates that this missense variant is not expected to disrupt ZMIZ1 protein function with a negative predictive value of 95%. In summary, the available evidence is currently insufficient to determine the role of this variant in disease. Therefore, it has been classified as a Variant of Uncertain Significance.

NM_020338.4(ZMIZ1):c.3038C>T (p.Ala1013Val)

Gene: ZMIZ1 (zinc finger MIZ-type containing 1; plus strand). Cytogenetic location: 10q22.3.
Variant type: single nucleotide variant.
Coding change: c.3038C>T on transcript NM_020338.4 (MANE Select); coding-DNA position 3038, C replaced by T.
Protein change: p.Ala1013Val; replaces alanine 1013 with valine.
Molecular consequence: missense variant.
Genome position (GRCh38, 1-based): chr10:79,311,126, C>T. VCF-style: chr10-79311126-C-T. GRCh37 (hg19) VCF-style: chr10-81070883-C-T.
Other names: short protein forms A1013V.
Identifiers: ClinVar variation 2090628 (VCV002090628.4), dbSNP rs1175047773, ClinGen allele CA377344864.